The following is an entry in ClinVar:

NM_000261.2(MYOC):c.1412A>G (p.Tyr471Cys)

Gene: MYOC (myocilin; minus strand). Cytogenetic location: 1q24.3.
Variant type: single nucleotide variant.
Coding change: c.1412A>G on transcript NM_000261.2 (MANE Select); coding-DNA position 1412, A replaced by G.
Protein change: p.Tyr471Cys; replaces tyrosine 471 with cysteine.
Molecular consequence: missense variant.
Genome position (GRCh38, 1-based): chr1:171,636,028, T>C on the plus strand (A>G on the coding strand, the complement: MYOC is on the minus strand). VCF-style: chr1-171636028-T-C. GRCh37 (hg19) VCF-style: chr1-171605168-T-C.
Other names: NM_000261.2:c.1412A>G; short protein forms Y471C.
Identifiers: ClinVar variation 1342207 (VCV001342207.6), dbSNP rs554235897, ClinGen allele CA1244027.
Genomic context (GRCh38, chr1:171,636,028, plus strand): 5'-TTGTCCCAGGCAAAGAGCTTCTTCTCCAGGGGGTTGTAGTCAATCATGCTGCTGTACTTA[T>C]AGCGGTTCTTGAATGGGATGGTCAGGGTCTTGCTGATACCTGTGCCTGTGTCATAAGCAA-3'
Protein context (NP_000252.1, residues 461-481): KTLTIPFKNR[Tyr471Cys]KYSSMIDYNP

ClinVar aggregate classification (germline): Uncertain significance (3 of 4 stars; one submission).

Conditions:
Open-angle glaucoma. Identifiers: MedGen C0017612, MONDO:0005338, HP:0012108.

Allele frequency attached by ClinVar (database versions not stated): gnomAD 0.00001; gnomAD exomes 0.00001 and 0.00003; TOPMed 0.00002; ExAC 0.00003; 1000 Genomes Project 30x 0.00016; 1000 Genomes Project 0.00020.
gnomAD v4.1: 12 of 1,614,218 alleles (0.00074%); highest among the groups gnomAD compares: East Asian, 0.013%; no homozygotes.

Submission:

ClinGen Glaucoma Variant Curation Expert Panel
Classification: Uncertain significance for Open-angle glaucoma. Last evaluated: 2026-02-04. Review status: reviewed by expert panel. Criteria: ClinGen Glaucoma ACMG Specifications V2.0.0 Approved. Collection method: curation. Allele origin: germline. Inheritance: Autosomal dominant inheritance.
Comment: The c.1412A>G variant in MYOC is a missense variant predicted to cause substitution of Tyrosine by Cysteine at amino acid 471 (p.Tyr471Cys). The highest minor allele frequency of this variant was in the East Asian genetic ancestry group of gnomAD (v4.1.0) = 0.0001337 (6 alleles out of 44,886), which did not meet the PM2_Supporting allele frequency threshold (≤ 0.0001) or the BS1 allele frequency threshold (≥ 0.001). The REVEL score = 0.848, which was within the 0.773-0.931 range for PP3_Moderate, predicting a damaging effect on MYOC function. The Tyr471Cys protein had similar secretion levels to wild type myocilin protein in this study (PMID: 27092720). The assay did not meet the OddsPath threshold for BS3_Supporting (< 4.8). Although a proband with primary open angle glaucoma had been reported carrying this variant, PM2_Supporting was not met, therefore PS4 did not apply. In summary, this variant met the criteria to receive a score of 2 and to be classified as a variant of uncertain significance (uncertain significance classification range -1 to 5, adapted from PMID: 32720330) for primary open angle glaucoma based on the ACMG/AMP criteria met, as specified by the ClinGen Glaucoma VCEP (v2.0.0, 5 Dec 2024): PP3_Moderate